The following is an entry in ClinVar:

ClinVar aggregate classification (germline): Uncertain significance (1 of 4 stars; one submission).

Conditions:
Compton-North congenital myopathy (CMYO12). Identifiers: Orphanet 210163, MedGen C2675527, MONDO:0012929, OMIM 612540.

Allele frequency attached by ClinVar (database versions not stated): gnomAD exomes 0.00001.
gnomAD v4.1: 7 of 1,612,850 alleles (0.00043%); highest among the groups gnomAD compares: Non-Finnish European, 0.00059%; no homozygotes.

Submission:

Labcorp Genetics (formerly Invitae), Labcorp
Classification: Uncertain significance for Compton-North congenital myopathy. Last evaluated: 2020-08-29. Review status: criteria provided, single submitter. Criteria: Invitae Variant Classification Sherloc (09022015). Collection method: clinical testing. Allele origin: germline.
Comment: In summary, the available evidence is currently insufficient to determine the role of this variant in disease. Therefore, it has been classified as a Variant of Uncertain Significance. Advanced modeling of protein sequence and biophysical properties (such as structural, functional, and spatial information, amino acid conservation, physicochemical variation, residue mobility, and thermodynamic stability) performed at Invitae indicates that this missense variant is not expected to disrupt CNTN1 protein function. This variant has not been reported in the literature in individuals with CNTN1-related conditions. This variant is not present in population databases (ExAC no frequency). This sequence change replaces lysine with glutamic acid at codon 650 of the CNTN1 protein (p.Lys650Glu). The lysine residue is highly conserved and there is a small physicochemical difference between lysine and glutamic acid.

NM_001843.4(CNTN1):c.1948A>G (p.Lys650Glu)

Gene: CNTN1 (contactin 1; plus strand). Cytogenetic location: 12q12.
Variant type: single nucleotide variant.
Coding change: c.1948A>G on transcript NM_001843.4 (MANE Select); coding-DNA position 1948, A replaced by G.
Protein change: p.Lys650Glu; replaces lysine 650 with glutamic acid.
Molecular consequence: missense variant.
Genome position (GRCh38, 1-based): chr12:40,981,052, A>G. VCF-style: chr12-40981052-A-G. GRCh37 (hg19) VCF-style: chr12-41374854-A-G.
Other names: c.1915A>G, p.Lys639Glu (NM_175038.2); short protein forms K639E, K650E.
Identifiers: ClinVar variation 1017679 (VCV001017679.9), dbSNP rs1947806765, ClinGen allele CA384586039.